The following is an entry in ClinVar:

NM_006892.4(DNMT3B):c.160C>T (p.Arg54Ter)

Gene: DNMT3B (DNA methyltransferase 3 beta; plus strand). Cytogenetic location: 20q11.21.
Variant type: single nucleotide variant.
Coding change: c.160C>T on transcript NM_006892.4 (MANE Select); coding-DNA position 160, C replaced by T.
Protein change: p.Arg54Ter; replaces arginine 54 with a stop codon.
Molecular consequence: nonsense.
Genome position (GRCh38, 1-based): chr20:32,781,370, C>T. VCF-style: chr20-32781370-C-T. GRCh37 (hg19) VCF-style: chr20-31369176-C-T.
Other names: c.160C>T, p.Arg54Ter (NM_001207055.2, NM_001207056.2, NM_001424351.1 and 9 more transcripts); c.196C>T, p.Arg66Ter (NM_001424359.1, NM_001424360.1, NM_175850.3); short protein forms R54*, R66*.
Identifiers: ClinVar variation 2736958 (VCV002736958.3), dbSNP rs760640013, ClinGen allele CA408584994.

ClinVar aggregate classification (germline): Pathogenic (1 of 4 stars; one submission).

Conditions:
Centromeric instability of chromosomes 1,9 and 16 and immunodeficiency (ICF1). Also called: IMMUNE DEFICIENCY, VARIABLE, WITH CENTROMERIC INSTABILITY OF CHROMOSOMES 1, 9, AND 16; IMMUNODEFICIENCY SYNDROME, VARIABLE; Immunodeficiency-centromeric instability-facial anomalies; CENTROMERIC INSTABILITY, IMMUNODEFICIENCY SYNDROME. Identifiers: Orphanet 2268, MedGen C0398788, MONDO:0000133.

gnomAD v4.1: 2 of 1,614,140 alleles (0.00012%); highest among the groups gnomAD compares: Non-Finnish European, 0.000085%; no homozygotes.

Submission:

Labcorp Genetics (formerly Invitae), Labcorp
Classification: Pathogenic for Centromeric instability of chromosomes 1,9 and 16 and immunodeficiency. Last evaluated: 2025-09-03. Review status: criteria provided, single submitter. Criteria: Invitae Variant Classification Sherloc (09022015). Collection method: clinical testing. Allele origin: germline.
Comment: This sequence change creates a premature translational stop signal (p.Arg54*) in the DNMT3B gene. It is expected to result in an absent or disrupted protein product. Loss-of-function variants in DNMT3B are known to be pathogenic (PMID: 11102980). This variant is present in population databases (no rsID available, gnomAD 0.01%). This premature translational stop signal has been observed in individual(s) with immunodeficiency-centromeric instability-facial anomalies syndrome (PMID: 11102980). ClinVar contains an entry for this variant (Variation ID: 2736958). For these reasons, this variant has been classified as Pathogenic.

Literature cited by the submitters: PubMed 11102980.